The following is an entry in ClinVar:

ClinVar aggregate classification (germline): Uncertain significance. Review status: criteria provided, multiple submitters, no conflicts (2 of 4 stars). 2 submissions from 2 submitters: Uncertain significance (2). Last evaluated 2023-10-14.

Allele frequency attached by ClinVar (database versions not stated): TOPMed 0.00003; ExAC 0.00002; gnomAD exomes 0.00003; gnomAD 0.00005.
gnomAD v4.1: 54 of 1,613,344 alleles (0.0033%); highest among the groups gnomAD compares: Middle Eastern, 0.016%; no homozygotes.

Submissions (2):

Ambry Genetics
Classification: Uncertain significance. Last evaluated: 2023-10-14. Review status: criteria provided, single submitter. Criteria: Ambry Variant Classification Scheme 2023. Collection method: clinical testing. Allele origin: germline.

Labcorp Genetics (formerly Invitae), Labcorp
Classification: Uncertain significance. Last evaluated: 2022-08-16. Review status: criteria provided, single submitter. Criteria: Invitae Variant Classification Sherloc (09022015). Collection method: clinical testing. Allele origin: germline.
Comment: In summary, the available evidence is currently insufficient to determine the role of this variant in disease. Therefore, it has been classified as a Variant of Uncertain Significance. Algorithms developed to predict the effect of sequence changes on RNA splicing suggest that this variant may disrupt the consensus splice site. Algorithms developed to predict the effect of missense changes on protein structure and function are either unavailable or do not agree on the potential impact of this missense change (SIFT: "Deleterious"; PolyPhen-2: "Probably Damaging"; Align-GVGD: "Class C0"). This variant has not been reported in the literature in individuals affected with TCTEX1D2-related conditions. This variant is present in population databases (rs774457947, gnomAD 0.003%). This sequence change replaces arginine, which is basic and polar, with histidine, which is basic and polar, at codon 110 of the TCTEX1D2 protein (p.Arg110His).

NM_152773.5(DYNLT2B):c.329G>A (p.Arg110His)

Gene: DYNLT2B (dynein light chain Tctex-type 2B; minus strand). Cytogenetic location: 3q29.
Variant type: single nucleotide variant.
Coding change: c.329G>A on transcript NM_152773.5 (MANE Select); coding-DNA position 329, G replaced by A.
Protein change: p.Arg110His; replaces arginine 110 with histidine.
Molecular consequence: missense variant.
Genome position (GRCh38, 1-based): chr3:196,296,058, C>T on the plus strand (G>A on the coding strand, the complement: DYNLT2B is on the minus strand). VCF-style: chr3-196296058-C-T. GRCh37 (hg19) VCF-style: chr3-196022929-C-T.
Other names: c.329G>A, p.Arg110His (NM_001351628.2); c.329G>A (NM_152773.4); short protein forms R110H.
Identifiers: ClinVar variation 2058313 (VCV002058313.5), dbSNP rs774457947, ClinGen allele CA2779726.